The following is an entry in ClinVar:

NM_000089.4(COL1A2):c.352G>A (p.Gly118Ser)

Gene: COL1A2 (collagen type I alpha 2 chain; plus strand). Cytogenetic location: 7q21.3.
Variant type: single nucleotide variant.
Coding change: c.352G>A on transcript NM_000089.4 (MANE Select); coding-DNA position 352, G replaced by A.
Protein change: p.Gly118Ser; replaces glycine 118 with serine.
Molecular consequence: missense variant.
Genome position (GRCh38, 1-based): chr7:94,404,720, G>A. VCF-style: chr7-94404720-G-A. GRCh37 (hg19) VCF-style: chr7-94034032-G-A.
Other names: short protein forms G118S.
Identifiers: ClinVar variation 4847549 (VCV004847549.1).
Genomic context (GRCh38, chr7:94,404,720, plus strand): 5'-GGCTTGGAGTATGACATTCTTTTTTTCTTTTAGGGCCCTCAAGGTTTCCAAGGACCTGCT[G>A]GTGAGCCTGGTGAACCTGGTCAAACTGTGAGTACATTTTTCCACCTTTGTGATAAGTTTT-3'
Protein context (NP_000080.2, residues 108-128): PGPQGFQGPA[Gly118Ser]EPGEPGQTGP

ClinVar aggregate classification (germline): Likely pathogenic (1 of 4 stars; one submission).

Conditions:
Ehlers-Danlos syndrome, cardiac valvular type. Identifiers: Orphanet 230851, MedGen C4303789, MONDO:0009159, OMIM 225320.

gnomAD v4.1: 1 of 1,614,134 alleles (0.000062%); highest among the groups gnomAD compares: Non-Finnish European, 0.000085%; no homozygotes.

Submission:

Women's Health and Genetics/Laboratory Corporation of America, LabCorp
Classification: Likely pathogenic for Ehlers-Danlos syndrome, cardiac valvular type. Last evaluated: 2026-03-02. Review status: criteria provided, single submitter. Criteria: LabCorp Variant Classification Summary - May 2015. Collection method: clinical testing. Allele origin: germline.
Comment: Variant summary: COL1A2 c.352G>A (p.Gly118Ser) results in a non-conservative amino acid change in the encoded protein sequence. Algorithms developed to predict the effect of missense changes on protein structure and function all suggest that this variant is likely to be disruptive. The variant allele was found at a frequency of 4e-06 in 251370 control chromosomes (gnomAD). To our knowledge, no occurrence of c.352G>A in individuals affected with COL1A2-related conditions and no experimental evidence demonstrating its impact on protein function have been reported. This variant disrupts the triple helix domain of COL1A2. Glycine residues within the Gly-Xaa-Yaa repeats of the triple helix domain are required for the structure and stability of fibrillar collagens (PMID: 7695699, 8218237, 19344236). No submitters have cited clinical-significance assessments for this variant to ClinVar. Based on the evidence outlined above, the variant was classified as likely pathogenic.